The following is an entry in ClinVar:

NM_001009944.3(PKD1):c.1768A>C (p.Thr590Pro)

Gene: PKD1 (polycystin 1, transient receptor potential channel interacting; minus strand). Cytogenetic location: 16p13.3.
Variant type: single nucleotide variant.
Coding change: c.1768A>C on transcript NM_001009944.3 (MANE Select); coding-DNA position 1768, A replaced by C.
Protein change: p.Thr590Pro; replaces threonine 590 with proline.
Molecular consequence: missense variant.
Genome position (GRCh38, 1-based): chr16:2,116,073, T>G on the plus strand (A>C on the coding strand, the complement: PKD1 is on the minus strand). VCF-style: chr16-2116073-T-G. GRCh37 (hg19) VCF-style: chr16-2166074-T-G.
Other names: c.1768A>C, p.Thr590Pro (NM_000296.4); short protein forms T590P.
Identifiers: ClinVar variation 3896423 (VCV003896423.2).

ClinVar aggregate classification (germline): Uncertain significance (1 of 4 stars; one submission).

Submission:

Women's Health and Genetics/Laboratory Corporation of America, LabCorp
Classification: Uncertain significance. Last evaluated: 2025-04-08. Review status: criteria provided, single submitter. Criteria: LabCorp Variant Classification Summary - May 2015. Collection method: clinical testing. Allele origin: germline.
Comment: Variant summary: PKD1 c.1768A>C (p.Thr590Pro) results in a non-conservative amino acid change in the encoded protein sequence. Three of five in-silico tools predict a damaging effect of the variant on protein function. The variant was absent in 150828 control chromosomes (gnomAD). The available data on variant occurrences in the general population are insufficient to allow any conclusion about variant significance. To our knowledge, no occurrence of c.1768A>C in individuals affected with PKD1-Biallelic Autosomal Recessive Polycystic Kidney Disease and no experimental evidence demonstrating its impact on protein function have been reported. No submitters have cited clinical-significance assessments for this variant to ClinVar. Based on the evidence outlined above, the variant was classified as uncertain significance.